The following is an entry in ClinVar:

ClinVar aggregate classification (germline): Likely pathogenic (1 of 4 stars; one submission).

Conditions:
Hereditary spastic paraplegia 4. Also called: Spastic paraplegia 4, autosomal dominant; Spastic Paraplegia 4; Familial spastic paraplegia autosomal dominant 2. Identifiers: Orphanet 100985, MedGen C1866855, MONDO:0008438, OMIM 182601.

Submission:

Labcorp Genetics (formerly Invitae), Labcorp
Classification: Likely pathogenic for Hereditary spastic paraplegia 4. Last evaluated: 2025-08-10. Review status: criteria provided, single submitter. Criteria: Invitae Variant Classification Sherloc (09022015). Collection method: clinical testing. Allele origin: germline.
Comment: This sequence change replaces glutamic acid, which is acidic and polar, with valine, which is neutral and non-polar, at codon 442 of the SPAST protein (p.Glu442Val). This variant is not present in population databases (gnomAD no frequency). This missense change has been observed in individual(s) with hereditary spastic paraplegia (internal data). ClinVar contains an entry for this variant (Variation ID: 945131). Invitae Evidence Modeling of protein sequence and biophysical properties (such as structural, functional, and spatial information, amino acid conservation, physicochemical variation, residue mobility, and thermodynamic stability) indicates that this missense variant is expected to disrupt SPAST protein function with a positive predictive value of 80%. This variant disrupts the p.Glu442 amino acid residue in SPAST. Other variant(s) that disrupt this residue have been observed in individuals with SPAST-related conditions (PMID: 16832076, 17957230), which suggests that this may be a clinically significant amino acid residue. In summary, the currently available evidence indicates that the variant is pathogenic, but additional data are needed to prove that conclusively. Therefore, this variant has been classified as Likely Pathogenic.

Literature cited by the submitters: PubMed 16832076; PubMed 17957230.

NM_014946.4(SPAST):c.1325A>T (p.Glu442Val)

Gene: SPAST (spastin; plus strand). Cytogenetic location: 2p22.3.
Variant type: single nucleotide variant.
Coding change: c.1325A>T on transcript NM_014946.4 (MANE Select); coding-DNA position 1325, A replaced by T.
Protein change: p.Glu442Val; replaces glutamic acid 442 with valine.
Molecular consequence: missense variant.
Genome position (GRCh38, 1-based): chr2:32,136,880, A>T. VCF-style: chr2-32136880-A-T. GRCh37 (hg19) VCF-style: chr2-32361949-A-T.
Other names: c.1322A>T, p.Glu441Val (NM_001363823.2); c.1226A>T, p.Glu409Val (NM_001363875.2); c.1229A>T, p.Glu410Val (NM_001377959.1, NM_199436.2); short protein forms E409V, E410V, E441V, E442V.
Identifiers: ClinVar variation 945131 (VCV000945131.9), dbSNP rs1553318215, ClinGen allele CA346502166.